The following is an entry in ClinVar:

NM_001104631.2(PDE4D):c.140A>G (p.Gln47Arg)

Gene: PDE4D (phosphodiesterase 4D; minus strand). Cytogenetic location: 5q12.1.
Variant type: single nucleotide variant.
Coding change: c.140A>G on transcript NM_001104631.2 (MANE Select); coding-DNA position 140, A replaced by G.
Protein change: p.Gln47Arg; replaces glutamine 47 with arginine.
Molecular consequence: missense variant. On other transcripts: intron variant (5).
Genome position (GRCh38, 1-based): chr5:59,893,483, T>C on the plus strand (A>G on the coding strand, the complement: PDE4D is on the minus strand). VCF-style: chr5-59893483-T-C. GRCh37 (hg19) VCF-style: chr5-59189310-T-C.
Other names: c.272+95005A>G (NM_001364599.1, NM_001165899.2, NM_001364600.2); c.-240+95005A>G (NM_001349243.2); c.242+95005A>G (NM_001349241.2); short protein forms Q47R.
Identifiers: ClinVar variation 1902278 (VCV001902278.5), dbSNP rs1337747427, ClinGen allele CA359932997.

ClinVar aggregate classification (germline): Uncertain significance (1 of 4 stars; one submission).

Allele frequency attached by ClinVar (database versions not stated): gnomAD exomes below 0.00001; TOPMed below 0.00001.
gnomAD v4.1: 4 of 1,538,840 alleles (0.00026%); highest among the groups gnomAD compares: Admixed American, 0.006%; no homozygotes.

Submission:

Labcorp Genetics (formerly Invitae), Labcorp
Classification: Uncertain significance. Last evaluated: 2024-03-30. Review status: criteria provided, single submitter. Criteria: Invitae Variant Classification Sherloc (09022015). Collection method: clinical testing. Allele origin: germline.
Comment: This sequence change replaces glutamine, which is neutral and polar, with arginine, which is basic and polar, at codon 47 of the PDE4D protein (p.Gln47Arg). The frequency data for this variant in the population databases is considered unreliable, as metrics indicate poor data quality at this position in the gnomAD database. This variant has not been reported in the literature in individuals affected with PDE4D-related conditions. ClinVar contains an entry for this variant (Variation ID: 1902278). An algorithm developed to predict the effect of missense changes on protein structure and function (PolyPhen-2) suggests that this variant is likely to be tolerated. In summary, the available evidence is currently insufficient to determine the role of this variant in disease. Therefore, it has been classified as a Variant of Uncertain Significance.